The following is an entry in ClinVar:

NM_000465.4(BARD1):c.52A>G (p.Asn18Asp)

Gene: BARD1 (BRCA1 associated RING domain 1; minus strand). Cytogenetic location: 2q35.
Variant type: single nucleotide variant.
Coding change: c.52A>G on transcript NM_000465.4 (MANE Select); coding-DNA position 52, A replaced by G.
Protein change: p.Asn18Asp; replaces asparagine 18 with aspartic acid.
Molecular consequence: missense variant. On other transcripts: non-coding transcript variant (3).
Genome position (GRCh38, 1-based): chr2:214,809,518, T>C on the plus strand (A>G on the coding strand, the complement: BARD1 is on the minus strand). VCF-style: chr2-214809518-T-C. GRCh37 (hg19) VCF-style: chr2-215674242-T-C.
Other names: c.52A>G, p.Asn18Asp (NM_001282543.2, NM_001282545.2, NM_001282548.2 and 1 more transcripts); short protein forms N18D.
Identifiers: ClinVar variation 3479721 (VCV003479721.3).

ClinVar aggregate classification (germline): Uncertain significance. Review status: criteria provided, multiple submitters, no conflicts (2 of 4 stars). 2 submissions from 2 submitters: Uncertain significance (2). Last evaluated 2024-12-04.

Conditions:
Familial cancer of breast. Also called: Hereditary breast cancer; hereditary breast carcinoma; BREAST CANCER, FAMILIAL. Identifiers: Orphanet 227535, MedGen C0346153, MONDO:0016419, OMIM 114480. Disease mechanism: loss of function.
Hereditary cancer-predisposing syndrome. Also called: Tumor predisposition; Neoplastic Syndromes, Hereditary; Hereditary neoplastic syndrome; Hereditary Cancer Syndrome. Identifiers: Orphanet 140162, MedGen C0027672, MeSH D009386, MONDO:0015356.

Submissions (2):

Labcorp Genetics (formerly Invitae), Labcorp
Classification: Uncertain significance for Familial cancer of breast. Last evaluated: 2024-12-04. Review status: criteria provided, single submitter. Criteria: Invitae Variant Classification Sherloc (09022015). Collection method: clinical testing. Allele origin: germline.
Comment: This sequence change replaces asparagine, which is neutral and polar, with aspartic acid, which is acidic and polar, at codon 18 of the BARD1 protein (p.Asn18Asp). This variant is not present in population databases (gnomAD no frequency). This variant has not been reported in the literature in individuals affected with BARD1-related conditions. An algorithm developed to predict the effect of missense changes on protein structure and function (PolyPhen-2) suggests that this variant is likely to be disruptive. In summary, the available evidence is currently insufficient to determine the role of this variant in disease. Therefore, it has been classified as a Variant of Uncertain Significance.

Ambry Genetics
Classification: Uncertain significance for Hereditary cancer-predisposing syndrome. Last evaluated: 2024-09-09. Review status: criteria provided, single submitter. Criteria: Ambry Variant Classification Scheme 2023. Collection method: clinical testing. Allele origin: germline.
Comment: The p.N18D variant (also known as c.52A>G), located in coding exon 1 of the BARD1 gene, results from an A to G substitution at nucleotide position 52. The asparagine at codon 18 is replaced by aspartic acid, an amino acid with highly similar properties. This amino acid position is conserved. In addition, this alteration is predicted to be tolerated by in silico analysis. Based on the available evidence, the clinical significance of this variant remains unclear.